The following is an entry in ClinVar:

ClinVar aggregate classification (germline): Pathogenic/Likely pathogenic; risk factor. Review status: criteria provided, multiple submitters, no conflicts (2 of 4 stars). 31 submissions from 30 submitters: Pathogenic (24); Likely pathogenic (2). 4 of the submissions do not count toward it. Last evaluated 2026-04-24.

Conditions:
LRRK2-related disorder. Also called: LRRK2-related condition.
Young-onset Parkinson disease. Identifiers: Orphanet 2828, MedGen C4275179, MONDO:0017279.
Inborn genetic diseases. Identifiers: MedGen C0950123, MeSH D030342.
Autosomal dominant Parkinson disease 8. Also called: LRRK2-Related Parkinson Disease; Parkinson disease 8, susceptibility to; Parkinson disease 8. Identifiers: Orphanet 411602, MedGen C1846862, MONDO:0011764, OMIM 607060.
Parkinson disease (PD). Identifiers: MedGen C0030567, MeSH D010300, MONDO:0005180.
Parkinson disease, late-onset (PD). Also called: Hereditary late onset Parkinson disease; PARKINSON DISEASE, LATE-ONSET, SUSCEPTIBILITY TO; Susceptibility to Parkinson's Disease. Identifiers: Orphanet 411602, MedGen C3160718, MONDO:0008199, OMIM 168600.

Allele frequency attached by ClinVar (database versions not stated): ExAC 0.00039; gnomAD 0.00036; 1000 Genomes Project 0.00020; gnomAD exomes 0.00053 and 0.00039; TOPMed 0.00059; 1000 Genomes Project 30x 0.00031.
gnomAD v4.1: 664 of 1,613,804 alleles (0.041%); highest among the groups gnomAD compares: Middle Eastern, 0.18%; 1 homozygote.

Submissions 1 to 10 of 31:

PreventionGenetics, part of Exact Sciences
Classification: Pathogenic for LRRK2-related condition. Last evaluated: 2026-04-24. Review status: criteria provided, single submitter. Criteria: ACMG Guidelines, 2015. Collection method: clinical testing. Allele origin: germline.
Comment: The LRRK2 c.6055G>A variant is predicted to result in the amino acid substitution p.Gly2019Ser. This variant has been reported in patients with Parkinson disease and is the most common and well-documented pathogenic variant in the LRRK2 gene (Trinh et al. 2016. PubMed ID: 27692902; Biosa et al. 2013. PubMed ID: 23241358; Bonifati et al. 2006. PubMed ID: 16835587). This variant is reported in 0.84% of alleles in individuals of Ashkenazi Jewish descent in gnomAD and it has been reported as a founder mutation in this population (Bar-Shira et al. 2009. PubMed ID: 19283415). Functional modeling of this variant demonstrated increased kinase activity leading to enlarged lysosomes and diminished the lysosomal capacity (Jaleel et al. 2007. PubMed ID: 17447891; West et al. 2007. PubMed ID: 17200152; Henry et al. 2015. PubMed ID: 26251043). This variant is interpreted as pathogenic.

3billion
Classification: Pathogenic for Autosomal dominant Parkinson disease 8. Last evaluated: 2026-01-29. Review status: criteria provided, single submitter. Criteria: ACMG Guidelines, 2015. Collection method: clinical testing. Allele origin: germline. Affected: yes.
Comment: The variant is observed in the gnomAD v4.1.0 dataset (total allele frequency: 0.041%). Predicted Consequence/Location: Missense variant. Missense changes are a common disease-causing mechanism. In silico tool predictions suggest damaging effect of the variant on gene or gene product [REVEL: 0.97 (>=0.6, sensitivity 0.68 and specificity 0.92); 3Cnet: 0.89 (> 0.75, sensitivity 0.96 and precision 0.92)]. The same nucleotide change resulting in the same amino acid change has been previously reported as pathogenic/likely pathogenic with strong evidence (ClinVar ID: VCV000001940 /PMID: 15726496 /3billion dataset). The variant has been observed in multiple (>3) similarly affected unrelated individuals (PMID: 22575234). Therefore, this variant is classified as Pathogenic according to the recommendation of ACMG/AMP guideline.

Labcorp Genetics (formerly Invitae), Labcorp
Classification: Pathogenic for Autosomal dominant Parkinson disease 8. Last evaluated: 2026-01-25. Review status: criteria provided, single submitter. Criteria: Invitae Variant Classification Sherloc (09022015). Collection method: clinical testing. Allele origin: germline.
Comment: This sequence change replaces glycine, which is neutral and non-polar, with serine, which is neutral and polar, at codon 2019 of the LRRK2 protein (p.Gly2019Ser). This variant is present in population databases (rs34637584, gnomAD 0.9%), and has an allele count higher than expected for a pathogenic variant. This missense change has been observed in individual(s) with Parkinson’s disease (PD) and is one of the most common known genetic causes of PD. This variant has been reported to have a reduced penetrance of 25-42.5% in various populations (PMID: 15680455, 15726496, 18986508, 22575234, 26062626, 28639421). It has also been observed to segregate with disease in related individuals. ClinVar contains an entry for this variant (Variation ID: 1940). Invitae Evidence Modeling of protein sequence and biophysical properties (such as structural, functional, and spatial information, amino acid conservation, physicochemical variation, residue mobility, and thermodynamic stability) indicates that this missense variant is not expected to disrupt LRRK2 protein function with a negative predictive value of 80%. Experimental studies have shown that this missense change affects LRRK2 function (PMID: 26251043). For these reasons, this variant has been classified as Pathogenic.

Mayo Clinic Laboratories, Mayo Clinic
Classification: Pathogenic. Last evaluated: 2025-11-12. Review status: criteria provided, single submitter. Criteria: ACMG Guidelines, 2015. Collection method: clinical testing. Allele origin: germline. Observed: 7 variant alleles.

CeGaT Center for Human Genetics Tuebingen
Classification: Pathogenic. Last evaluated: 2025-10-01. Review status: criteria provided, single submitter. Criteria: CeGaT Center For Human Genetics Tuebingen Variant Classification Criteria Version 2. Collection method: clinical testing. Allele origin: germline. Affected: yes. Observed: 8 variant alleles.
Comment: LRRK2: PS4, PM1, PP1:Moderate, PP3, PS3:Supporting

Laboratorio de Genetica e Diagnostico Molecular, Hospital Israelita Albert Einstein
Classification: Likely pathogenic for Autosomal dominant Parkinson disease 8. Last evaluated: 2025-03-26. Review status: criteria provided, single submitter. Criteria: ACMG Guidelines, 2015. Collection method: clinical testing. Allele origin: germline. Affected: yes.
Comment: ACMG classification criteria: PS3 supporting, PS4 strong, PP1 moderate, PP3 supporting

Victorian Clinical Genetics Services, Murdoch Childrens Research Institute
Classification: Pathogenic for Autosomal dominant Parkinson disease 8. Last evaluated: 2024-12-08. Review status: criteria provided, single submitter. Criteria: ACMG Guidelines, 2015. Collection method: clinical testing. Allele origin: germline. Affected: yes.
Comment: This variant is classified as Pathogenic. Evidence in support of pathogenic classification: This variant has strong previous evidence of pathogenicity in unrelated individuals. This variant has been classified as pathogenic/likely pathogenic by diagnostic laboratories in ClinVar, and is one of the most commonly reported pathogenic variants in LRRK2 (PMID: 20301387); Missense variant consistently predicted to be damaging by in silico tool or highly conserved with a major amino acid change. Additional information: Variant is predicted to result in a missense amino acid change from glycine to serine; This variant is heterozygous; This gene is associated with autosomal dominant disease; Variant is present in gnomAD >=0.001 and <0.01 for a dominant condition (v4: 662 heterozygote(s), 1 homozygote(s)); An alternative amino acid change at the same position has been observed in gnomAD (v4: 5 heterozygote(s), 0 homozygote(s)); Gain of function is a known mechanism of disease in this gene and is associated with Parkinson disease 8 susceptibility (MIM#607060). Pathogenic missense variants have been shown to increase kinase activity, and consequently result in neurotoxicity (PMID: 17200152); The condition associated with this gene has incomplete penetrance. Penetrance is variable and variant dependent. p.(Gly2019Ser) is a founder variant in both Ashkenazi Jews and North African Berbers with a penetrance of 25-45%. Other variants such as p.(Arg1441Cys) have a penetrance of 95% by 75 years (PMID: 28639421, 20301387); Inheritance information for this variant is not currently available in this individual.

Genomic Medicine Center of Excellence, King Faisal Specialist Hospital and Research Centre
Classification: Likely pathogenic for Autosomal dominant Parkinson disease 8. Last evaluated: 2024-09-22. Review status: criteria provided, single submitter. Criteria: ACMG Guidelines, 2015. Collection method: clinical testing. Allele origin: germline.

Athena Diagnostics
Classification: Pathogenic. Last evaluated: 2024-01-18. Review status: criteria provided, single submitter. Criteria: Athena Diagnostics Criteria. Collection method: clinical testing. Allele origin: unknown.
Comment: This variant is statistically more frequent in affected individuals than in the general population and/or healthy controls (Genome Aggregation Database (gnomAD), Cambridge, MA (URL)). This variant is reported to exhibit age-dependent penetrance that may be impacted by ethnicity (PMID: 26062626, 25330418, 18986508). This variant appears to be associated with disease in multiple families (PMID: 16240353, 16533964). According to published literature, there is no reported difference in clinical presentation between individuals with this variant in the heterozygous or homozygous state (PMID: 16966502). Assessment of experimental evidence suggests this variant results in abnormal protein function. (PMID: 29402177, 29386392, 26251043, 23472874, 27413152, 35732218)

Fulgent Genetics
Classification: Pathogenic for Autosomal dominant Parkinson disease 8. Last evaluated: 2024-01-06. Review status: criteria provided, single submitter. Criteria: ACMG Guidelines, 2015. Collection method: clinical testing. Allele origin: germline.

NM_198578.4(LRRK2):c.6055G>A (p.Gly2019Ser)

Gene: LRRK2 (leucine rich repeat kinase 2; plus strand). Cytogenetic location: 12q12.
Variant type: single nucleotide variant.
Coding change: c.6055G>A on transcript NM_198578.4 (MANE Select); coding-DNA position 6055, G replaced by A.
Protein change: p.Gly2019Ser; replaces glycine 2019 with serine.
Molecular consequence: missense variant.
Genome position (GRCh38, 1-based): chr12:40,340,400, G>A. VCF-style: chr12-40340400-G-A. GRCh37 (hg19) VCF-style: chr12-40734202-G-A.
Other names: short protein forms G2019S.
Identifiers: ClinVar variation 1940 (VCV000001940.96), dbSNP rs34637584, ClinGen allele CA339926.